The following is an entry in ClinVar:

ClinVar aggregate classification (germline): Uncertain significance (1 of 4 stars; one submission).

Conditions:
MEGF10-related myopathy (CMYO10A). Also called: Congenital myopathy 10A, severe variant. Identifiers: Orphanet 439212, MedGen C3280679, MONDO:0013731, OMIM 614399.

Allele frequency attached by ClinVar (database versions not stated): ExAC 0.00001; gnomAD 0.00001; gnomAD exomes 0.00001; TOPMed 0.00001.
gnomAD v4.1: 11 of 1,613,456 alleles (0.00068%); highest among the groups gnomAD compares: South Asian, 0.0022%; no homozygotes.

Submission:

Labcorp Genetics (formerly Invitae), Labcorp
Classification: Uncertain significance for MEGF10-related myopathy. Last evaluated: 2022-08-17. Review status: criteria provided, single submitter. Criteria: Invitae Variant Classification Sherloc (09022015). Collection method: clinical testing. Allele origin: germline.
Comment: In summary, the available evidence is currently insufficient to determine the role of this variant in disease. Therefore, it has been classified as a Variant of Uncertain Significance. Algorithms developed to predict the effect of sequence changes on RNA splicing suggest that this variant is not likely to affect RNA splicing. This variant has not been reported in the literature in individuals affected with MEGF10-related conditions. This variant is present in population databases (rs755117629, gnomAD 0.003%). This sequence change affects codon 993 of the MEGF10 mRNA. It is a 'silent' change, meaning that it does not change the encoded amino acid sequence of the MEGF10 protein. It affects a nucleotide within the consensus splice site.

NM_001256545.2(MEGF10):c.2979C>T (p.Leu993=)

Gene: MEGF10 (multiple EGF like domains 10; plus strand). Cytogenetic location: 5q23.2.
Variant type: single nucleotide variant.
Coding change: c.2979C>T on transcript NM_001256545.2 (MANE Select); coding-DNA position 2979, C replaced by T.
Protein change: p.Leu993=; no amino-acid change (leucine 993 retained).
Molecular consequence: synonymous variant.
Genome position (GRCh38, 1-based): chr5:127,449,221, C>T. VCF-style: chr5-127449221-C-T. GRCh37 (hg19) VCF-style: chr5-126784913-C-T.
Other names: c.2979C>T, p.Leu993= (NM_032446.3).
Identifiers: ClinVar variation 2196914 (VCV002196914.3), dbSNP rs755117629, ClinGen allele CA3392081.
Genomic context (GRCh38, chr5:127,449,221, plus strand): 5'-GGGGGACTGCACTGGGACATTGCCGGCTGACTGGAAACATGGCGGCTACCTCAACGAGCT[C>T]GGTGAGTTCTCCCAACGCACGTCCCCAGAAGCACCTTGACCTGTCAGTCCCTGAAACAGT-3'
Protein context (NP_001243474.1, residues 983-1003): DWKHGGYLNE[Leu993=]GAFGLDRSYM